The following is an entry in ClinVar:

NM_001267550.2(TTN):c.39818-1G>C

Gene: TTN (titin; minus strand). Cytogenetic location: 2q31.2.
Variant type: single nucleotide variant.
Coding change: c.39818-1G>C on transcript NM_001267550.2 (MANE Select); the canonical splice acceptor site of the intron before coding-DNA position 39818, G replaced by C.
Molecular consequence: splice acceptor variant. On other transcripts: intron variant (3).
Genome position (GRCh38, 1-based): chr2:178,649,895, C>G on the plus strand (G>C on the coding strand, the complement: TTN is on the minus strand). VCF-style: chr2-178649895-C-G. GRCh37 (hg19) VCF-style: chr2-179514622-C-G.
Other names: c.13859-7578G>C (NM_133437.4); c.13658-7578G>C (NM_133432.3); c.32516-1G>C (NM_133378.4); c.35297-1G>C (NM_001256850.1); c.13283-7578G>C (NM_003319.4).
Identifiers: ClinVar variation 1024897 (VCV001024897.9), dbSNP rs2062662018, ClinGen allele CA349448984.
Genomic context (GRCh38, chr2:178,649,895, plus strand): 5'-CTGGTTTTTTGATGACAGGAACTTTCTTCTCTGGGATGATCTTCTTGGGCTCTTCAGGCA[C>G]TTGAATAATAGGAATTTCTTTTAGAATTAGGTGATTACAATGAAAAATTTAATGCTAATG-3'

ClinVar aggregate classification (germline): Likely pathogenic (1 of 4 stars; one submission).

Conditions:
Dilated cardiomyopathy 1G (CMD1G). Identifiers: Orphanet 154, MedGen C1858763, MONDO:0011400, OMIM 604145.
Autosomal recessive limb-girdle muscular dystrophy type 2J (LGMDR10). Also called: MUSCULAR DYSTROPHY, LIMB-GIRDLE, AUTOSOMAL RECESSIVE 10; Limb-girdle muscular dystrophy, type 2J. Identifiers: Orphanet 140922, MedGen C1837342, MONDO:0012127, OMIM 608807.

Submission:

Labcorp Genetics (formerly Invitae), Labcorp
Classification: Likely pathogenic for Dilated cardiomyopathy 1G; Autosomal recessive limb-girdle muscular dystrophy type 2J. Last evaluated: 2024-10-18. Review status: criteria provided, single submitter. Criteria: Invitae Variant Classification Sherloc (09022015). Collection method: clinical testing. Allele origin: germline.
Comment: This sequence change affects an acceptor splice site in intron 210 of the TTN gene. It is expected to disrupt RNA splicing and likely results in a truncated or disrupted TTN protein. This variant is not present in population databases (gnomAD no frequency). This variant has not been reported in the literature in individuals affected with TTN-related conditions. ClinVar contains an entry for this variant (Variation ID: 1024897). Algorithms developed to predict the effect of sequence changes on RNA splicing suggest that this variant may disrupt the consensus splice site. This variant is located in the I band of TTN (PMID: 25589632). Truncating variants in this region have been reported in individuals affected with autosomal recessive centronuclear myopathy (PMID: 23975875, internal data). Truncating variants in this region have also been identified in individuals affected with autosomal dominant dilated cardiomyopathy and/or cardio-related conditions (PMID: 27869827, 32964742, internal data). In summary, the currently available evidence indicates that the variant is pathogenic, but additional data are needed to prove that conclusively. Therefore, this variant has been classified as Likely Pathogenic.

Literature cited by the submitters: PubMed 25589632; PubMed 23975875; PubMed 27869827; PubMed 32964742.